The following is an entry in ClinVar:

NM_012414.4(RAB3GAP2):c.2207C>T (p.Ala736Val)

Gene: RAB3GAP2 (RAB3 GTPase activating non-catalytic protein subunit 2; minus strand). Cytogenetic location: 1q41.
Variant type: single nucleotide variant.
Coding change: c.2207C>T on transcript NM_012414.4 (MANE Select); coding-DNA position 2207, C replaced by T.
Protein change: p.Ala736Val; replaces alanine 736 with valine.
Molecular consequence: missense variant.
Genome position (GRCh38, 1-based): chr1:220,182,723, G>A on the plus strand (C>T on the coding strand, the complement: RAB3GAP2 is on the minus strand). VCF-style: chr1-220182723-G-A. GRCh37 (hg19) VCF-style: chr1-220356065-G-A.
Other names: short protein forms A736V.
Identifiers: ClinVar variation 3069073 (VCV003069073.2), dbSNP rs750379226, ClinGen allele CA1402492.

ClinVar aggregate classification (germline): Uncertain significance (1 of 4 stars; one submission).

Allele frequency attached by ClinVar (database versions not stated): gnomAD 0.00001; gnomAD exomes 0.00001; TOPMed 0.00002; ExAC 0.00004.
gnomAD v4.1: 14 of 1,591,674 alleles (0.00088%); highest among the groups gnomAD compares: East Asian, 0.029%; no homozygotes.

Submission:

Women's Health and Genetics/Laboratory Corporation of America, LabCorp
Classification: Uncertain significance. Last evaluated: 2024-02-19. Review status: criteria provided, single submitter. Criteria: LabCorp Variant Classification Summary - May 2015. Collection method: clinical testing. Allele origin: germline.
Comment: Variant summary: RAB3GAP2 c.2207C>T (p.Ala736Val) results in a non-conservative amino acid change in the encoded protein sequence. Three of five in-silico tools predict a benign effect of the variant on protein function. The variant allele was found at a frequency of 2.9e-05 in 238132 control chromosomes. The available data on variant occurrences in the general population are insufficient to allow any conclusion about variant significance. c.2207C>T has been reported in the literature in individuals affected with RAB3GAP2-Related Disorders (Cui_2020). These report(s) do not provide unequivocal conclusions about association of the variant with RAB3GAP2-Related Disorders. To our knowledge, no experimental evidence demonstrating an impact on protein function has been reported. The following publication have been ascertained in the context of this evaluation (PMID: 32501971). No submitters have cited clinical-significance assessments for this variant to ClinVar. Based on the evidence outlined above, the variant was classified as uncertain significance.

Literature cited by the submitters: PubMed 32501971.